The following is an entry in ClinVar:

ClinVar aggregate classification (germline): Benign/Likely benign. Review status: criteria provided, multiple submitters, no conflicts (2 of 4 stars). 5 submissions from 5 submitters: Benign (2); Likely benign (2). 1 of the submissions does not count toward it. Last evaluated 2026-01-24.

Conditions:
MTR-related disorder. Also called: MTR-related condition.
Disorders of Intracellular Cobalamin Metabolism. Identifiers: MedGen CN043592.
Methylcobalamin deficiency type cblG (HMAG). Also called: HOMOCYSTINURIA-MEGALOBLASTIC ANEMIA, cblG COMPLEMENTATION TYPE; HOMOCYSTINURIA-MEGALOBLASTIC ANEMIA, cblG TYPE; Functional methionine synthase deficiency type cblG; HOMOCYSTINURIA-MEGALOBLASTIC ANEMIA DUE TO DEFECT IN COBALAMIN METABOLISM, cblG COMPLEMENTATION TYPE. Identifiers: Orphanet 2170, Orphanet 622, MedGen C1855128, MONDO:0009609, OMIM 250940.

Allele frequency attached by ClinVar (database versions not stated): TOPMed 0.00001; gnomAD 0.00002 and 0.00030; gnomAD exomes 0.00058 and 0.00120; ExAC 0.00129; 1000 Genomes Project 30x 0.00250; 1000 Genomes Project 0.00300.
gnomAD v4.1: 900 of 1,564,796 alleles (0.058%); highest among the groups gnomAD compares: South Asian, 0.87%; 9 homozygotes.

Submissions (5):

Labcorp Genetics (formerly Invitae), Labcorp
Classification: Benign for Methylcobalamin deficiency type cblG. Last evaluated: 2026-01-24. Review status: criteria provided, single submitter. Criteria: Invitae Variant Classification Sherloc (09022015). Collection method: clinical testing. Allele origin: germline.

CeGaT Center for Human Genetics Tuebingen
Classification: Benign. Last evaluated: 2022-08-01. Review status: criteria provided, single submitter. Criteria: CeGaT Center For Human Genetics Tuebingen Variant Classification Criteria Version 2. Collection method: clinical testing. Allele origin: germline. Affected: yes. Observed: 1 variant allele.
Comment: MTR: BP4, BS1, BS2

Illumina Laboratory Services, Illumina
Classification: Likely benign for Disorders of Intracellular Cobalamin Metabolism. Last evaluated: 2018-01-13. Review status: criteria provided, single submitter. Criteria: ICSL Variant Classification Criteria 13 December 2019. Collection method: clinical testing. Allele origin: germline.
Comment: This variant was observed in the ICSL laboratory as part of a predisposition screen in an ostensibly healthy population. It had not been previously curated by ICSL or reported in the Human Gene Mutation Database (HGMD: prior to June 1st, 2018), and was therefore a candidate for classification through an automated scoring system. Utilizing variant allele frequency, disease prevalence and penetrance estimates, and inheritance mode, an automated score was calculated to assess if this variant is too frequent to cause the disease. Based on the score and internal cut-off values, a variant classified as likely benign is not then subjected to further curation. The score for this variant resulted in a classification of likely benign for this disease.

GeneDx
Classification: Likely benign. Last evaluated: 2017-10-05. Review status: criteria provided, single submitter. Criteria: GeneDx Variant Classification (06012015). Collection method: clinical testing. Allele origin: germline. Affected: yes.
Comment: This variant is considered likely benign or benign based on one or more of the following criteria: it is a conservative change, it occurs at a poorly conserved position in the protein, it is predicted to be benign by multiple in silico algorithms, and/or has population frequency not consistent with disease.

PreventionGenetics, part of Exact Sciences
Classification: Benign for MTR-related condition. Last evaluated: 2024-05-26. Review status: no assertion criteria provided. Collection method: clinical testing. Allele origin: germline. Not counted in ClinVar's aggregate classification.
Comment: This variant is classified as benign based on ACMG/AMP sequence variant interpretation guidelines (Richards et al. 2015 PMID: 25741868, with internal and published modifications).

NM_000254.3(MTR):c.2772C>G (p.Leu924=)

Gene: MTR (5-methyltetrahydrofolate-homocysteine methyltransferase; plus strand). Cytogenetic location: 1q43.
Variant type: single nucleotide variant.
Coding change: c.2772C>G on transcript NM_000254.3 (MANE Select); coding-DNA position 2772, C replaced by G.
Protein change: p.Leu924=; no amino-acid change (leucine 924 retained).
Molecular consequence: synonymous variant.
Genome position (GRCh38, 1-based): chr1:236,885,216, C>G. VCF-style: chr1-236885216-C-G. GRCh37 (hg19) VCF-style: chr1-237048516-C-G.
Other names: c.2619C>G, p.Leu873= (NM_001291939.1); c.1551C>G, p.Leu517= (NM_001291940.2).
Identifiers: ClinVar variation 506615 (VCV000506615.35), dbSNP rs533541925, ClinGen allele CA1474497.